The following is an entry in ClinVar:

ClinVar aggregate classification (germline): Uncertain significance (1 of 4 stars; one submission).

Submission:

Labcorp Genetics (formerly Invitae), Labcorp
Classification: Uncertain significance. Last evaluated: 2023-08-24. Review status: criteria provided, single submitter. Criteria: Invitae Variant Classification Sherloc (09022015). Collection method: clinical testing. Allele origin: germline.
Comment: This variant is not present in population databases (gnomAD no frequency). This sequence change replaces arginine, which is basic and polar, with tryptophan, which is neutral and slightly polar, at codon 3338 of the VCAN protein (p.Arg3338Trp). In summary, the available evidence is currently insufficient to determine the role of this variant in disease. Therefore, it has been classified as a Variant of Uncertain Significance. An algorithm developed to predict the effect of missense changes on protein structure and function (PolyPhen-2) suggests that this variant is likely to be disruptive. This variant has not been reported in the literature in individuals affected with VCAN-related conditions.

NM_004385.5(VCAN):c.10012C>T (p.Arg3338Trp)

Gene: VCAN (versican; plus strand). Cytogenetic location: 5q14.3.
Variant type: single nucleotide variant.
Coding change: c.10012C>T on transcript NM_004385.5 (MANE Select); coding-DNA position 10012, C replaced by T.
Protein change: p.Arg3338Trp; replaces arginine 3338 with tryptophan.
Molecular consequence: missense variant.
Genome position (GRCh38, 1-based): chr5:83,580,111, C>T. VCF-style: chr5-83580111-C-T. GRCh37 (hg19) VCF-style: chr5-82875930-C-T.
Other names: c.1789C>T, p.Arg597Trp (NM_001126336.3); c.7051C>T, p.Arg2351Trp (NM_001164097.2); c.4750C>T, p.Arg1584Trp (NM_001164098.2); short protein forms R2351W, R597W, R1584W, R3338W.
Identifiers: ClinVar variation 2809889 (VCV002809889.3), dbSNP rs1748616068, ClinGen allele CA360301327.